The following is an entry in ClinVar:

NM_000059.4(BRCA2):c.682-1G>A

Gene: BRCA2 (BRCA2 DNA repair associated; plus strand). Cytogenetic location: 13q13.1.
Variant type: single nucleotide variant.
Coding change: c.682-1G>A on transcript NM_000059.4 (MANE Select); the canonical splice acceptor site of the intron before coding-DNA position 682, G replaced by A.
Molecular consequence: splice acceptor variant.
Genome position (GRCh38, 1-based): chr13:32,330,918, G>A. VCF-style: chr13-32330918-G-A. GRCh37 (hg19) VCF-style: chr13-32905055-G-A.
Other names: c.682-1G>A (NM_001406720.1, NM_001406719.1, NM_001406721.1); c.313-1G>A (NM_001406722.1).
Identifiers: ClinVar variation 1755640 (VCV001755640.3), dbSNP rs81002831, ClinGen allele CA387759828.

ClinVar aggregate classification (germline): Pathogenic/Likely pathogenic. Review status: criteria provided, multiple submitters, no conflicts (2 of 4 stars). 2 submissions from 2 submitters: Pathogenic (1); Likely pathogenic (1). Last evaluated 2025-05-15.

Conditions:
Hereditary breast ovarian cancer syndrome. Also called: Hereditary breast and ovarian cancer syndrome (HBOC); Hereditary breast and ovarian cancer; BRCA1- and BRCA2-Associated Hereditary Breast and Ovarian Cancer; Hereditary breast and ovarian cancer syndrome; Breast and ovarian cancer; Hereditary breast and/or ovarian cancer syndrome. Identifiers: Orphanet 145, MedGen C0677776, MeSH D061325, MONDO:0003582. Disease mechanism: loss of function.
Hereditary cancer-predisposing syndrome. Also called: Neoplastic Syndromes, Hereditary; Tumor predisposition; Hereditary Cancer Syndrome; Hereditary neoplastic syndrome. Identifiers: Orphanet 140162, MedGen C0027672, MeSH D009386, MONDO:0015356.

Submissions (2):

GeneKor MSA
Classification: Likely pathogenic for Hereditary breast ovarian cancer syndrome. Last evaluated: 2025-05-15. Review status: criteria provided, single submitter. Criteria: ACMG Guidelines, 2015. Collection method: clinical testing. Allele origin: germline.
Comment: This sequence change occurs 1 base before exon 9 of the BRCA2 gene. This position is highly conserved in the human and other genomes and is crucial in mRNA processing. This mutation is expected to disrupt RNA splicing and likely results in an absent or disrupted protein product. Donor and acceptor splice site variants typically lead to a loss of protein function (PMID:16199547) and loss-of-function variants in BRCA2 are known to be pathogenic (PMID:20104584). This variant is not present in population databases (ExAC no frequency). ClinVar contains an entry for this variant (VCV001755640.2).Based on the classification criteria set by the ACMG and AMP (PMID:25741868) this variant has been classified as Likely Pathogenic.

Ambry Genetics
Classification: Pathogenic for Hereditary cancer-predisposing syndrome. Last evaluated: 2020-06-18. Review status: criteria provided, single submitter. Criteria: Ambry Variant Classification Scheme 2023. Collection method: clinical testing. Allele origin: germline.
Comment: The c.682-1G>A intronic pathogenic mutation results from a G to A substitution one nucleotide upstream from coding exon 8 of the BRCA2 gene. RNA studies have demonstrated that this alteration results in abnormal splicing in the set of samples tested (Ambry internal data). A close match alteration at the same acceptor site, BRCA2 c.682-2A>G segregated with disease in one family and was observed to have multiple aberrant splice events (de Garibay GR et al. Hum. Mutat., 2014 Jan;35:53-7). Alterations that disrupt the canonical splice site are expected to cause aberrant splicing, resulting in an abnormal protein or a transcript that is subject to nonsense-mediated mRNA decay. As such, this alteration is classified as a disease-causing mutation.

Literature cited by the submitters: PubMed 16199547 (cited by GeneKor MSA); PubMed 20104584 (cited by GeneKor MSA); PubMed 24123850 (cited by Ambry Genetics).